The following is an entry in ClinVar:

NC_000002.12:g.(?_96253808)_(96265399_?)dup

Gene: TMEM127 (transmembrane protein 127; minus strand). Cytogenetic location: 2q11.2.
Variant type: Duplication.
Identifiers: ClinVar variation 832923 (VCV000832923.2).

ClinVar aggregate classification (germline): Uncertain significance (1 of 4 stars; one submission).

Conditions:
Hereditary pheochromocytoma and paraganglioma. Also called: Hereditary pheochromocytoma-paraganglioma; Hereditary paragangliomas and pheochromocytomas; Hereditary Paraganglioma-Pheochromocytoma Syndromes. Identifiers: Orphanet 29072, MedGen C4274332, MONDO:0017366.

Submission:

Labcorp Genetics (formerly Invitae), Labcorp
Classification: Uncertain significance for Hereditary pheochromocytoma and paraganglioma. Last evaluated: 2022-09-26. Review status: criteria provided, single submitter. Criteria: Invitae Variant Classification Sherloc (09022015). Collection method: clinical testing. Allele origin: germline.
Comment: A copy number gain of the genomic region encompassing the full coding sequence of the TMEM127 gene has been identified. The boundaries of this event are unknown as they extend beyond the assayed region for this gene and therefore may encompass additional genes. As the precise location of this event is unknown, it may be in tandem or it may be located elsewhere in the genome. This variant has not been reported in the literature in individuals affected with TMEM127-related conditions. In summary, the available evidence is currently insufficient to determine the role of this variant in disease. Therefore, it has been classified as a Variant of Uncertain Significance.